The following is an entry in ClinVar:

ClinVar aggregate classification (germline): Benign/Likely benign. Review status: criteria provided, multiple submitters, no conflicts (2 of 4 stars). 4 submissions from 4 submitters: Benign (1); Likely benign (3). Last evaluated 2025-03-27.

Conditions:
Hereditary cancer-predisposing syndrome. Also called: Hereditary Cancer Syndrome; Neoplastic Syndromes, Hereditary; Tumor predisposition; Hereditary neoplastic syndrome. Identifiers: Orphanet 140162, MedGen C0027672, MeSH D009386, MONDO:0015356.
Peutz-Jeghers syndrome (PJS). Also called: POLYPOSIS, HAMARTOMATOUS INTESTINAL; POLYPS-AND-SPOTS SYNDROME; Peutz-Jeghers polyposis; Periorificial lentiginosis syndrome. Identifiers: Orphanet 2869, MedGen C0031269, MeSH D010580, MONDO:0008280, OMIM 175200.

Submissions (4):

Myriad Genetics, Inc.
Classification: Benign for Peutz-Jeghers syndrome. Last evaluated: 2025-03-27. Review status: criteria provided, single submitter. Criteria: Myriad Autosomal Dominant, Autosomal Recessive and X-Linked Classification Criteria (2023). Collection method: clinical testing. Allele origin: unknown.
Comment: This variant is considered benign. This variant is a silent/synonymous amino acid change and it is not expected to impact splicing.

Labcorp Genetics (formerly Invitae), Labcorp
Classification: Likely benign for Peutz-Jeghers syndrome. Last evaluated: 2024-06-21. Review status: criteria provided, single submitter. Criteria: Invitae Variant Classification Sherloc (09022015). Collection method: clinical testing. Allele origin: germline.

Color Diagnostics, LLC DBA Color Health
Classification: Likely benign for Hereditary cancer-predisposing syndrome. Last evaluated: 2019-06-18. Review status: criteria provided, single submitter. Criteria: ACMG Guidelines, 2015. Collection method: clinical testing. Allele origin: germline.

Ambry Genetics
Classification: Likely benign for Hereditary cancer-predisposing syndrome. Last evaluated: 2015-02-26. Review status: criteria provided, single submitter. Criteria: Ambry Variant Classification Scheme 2023. Collection method: clinical testing. Allele origin: germline.

NM_000455.5(STK11):c.849T>C (p.Ser283=)

Gene: STK11 (serine/threonine kinase 11; plus strand). Cytogenetic location: 19p13.3.
Variant type: single nucleotide variant.
Coding change: c.849T>C on transcript NM_000455.5 (MANE Select); coding-DNA position 849, T replaced by C.
Protein change: p.Ser283=; no amino-acid change (serine 283 retained).
Molecular consequence: synonymous variant.
Genome position (GRCh38, 1-based): chr19:1,221,327, T>C. VCF-style: chr19-1221327-T-C. GRCh37 (hg19) VCF-style: chr19-1221326-T-C.
Identifiers: ClinVar variation 230598 (VCV000230598.18), dbSNP rs876658659, ClinGen allele CA10581010.